The following is an entry in ClinVar:

ClinVar aggregate classification (germline): Uncertain significance. Review status: criteria provided, single submitter (1 of 4 stars). 2 submissions from 2 submitters: Uncertain significance (1). 1 of the submissions does not count toward it. Last evaluated 2022-09-06.

Conditions:
EBV-positive nodal T- and NK-cell lymphoma.

Allele frequency attached by ClinVar (database versions not stated): gnomAD 0.00001.
gnomAD v4.1: 1 of 1,613,072 alleles (0.000062%); highest among the groups gnomAD compares: Admixed American, 0.0017%; no homozygotes.

Submissions (2):

Labcorp Genetics (formerly Invitae), Labcorp
Classification: Uncertain significance. Last evaluated: 2022-09-06. Review status: criteria provided, single submitter. Criteria: Invitae Variant Classification Sherloc (09022015). Collection method: clinical testing. Allele origin: germline.
Comment: In summary, the available evidence is currently insufficient to determine the role of this variant in disease. Therefore, it has been classified as a Variant of Uncertain Significance. Algorithms developed to predict the effect of missense changes on protein structure and function output the following: SIFT: "Tolerated"; PolyPhen-2: "Benign"; Align-GVGD: "Class C0". The leucine amino acid residue is found in multiple mammalian species, which suggests that this missense change does not adversely affect protein function. This variant has not been reported in the literature in individuals affected with SLC27A5-related conditions. The frequency data for this variant in the population databases is considered unreliable, as metrics indicate poor data quality at this position in the gnomAD database. This sequence change replaces valine, which is neutral and non-polar, with leucine, which is neutral and non-polar, at codon 536 of the SLC27A5 protein (p.Val536Leu).

Department of Clinical Pathology, School of Medicine, Fujita Health University
Classification: Likely benign for EBV-positive nodal T- and NK-cell lymphoma. Review status: no assertion criteria provided. Collection method: research. Allele origin: unknown. Affected: yes. Not counted in ClinVar's aggregate classification.

NM_012254.3(SLC27A5):c.1606G>T (p.Val536Leu)

Gene: SLC27A5 (solute carrier family 27 member 5; minus strand). Cytogenetic location: 19q13.43.
Variant type: single nucleotide variant.
Coding change: c.1606G>T on transcript NM_012254.3 (MANE Select); coding-DNA position 1606, G replaced by T.
Protein change: p.Val536Leu; replaces valine 536 with leucine.
Molecular consequence: missense variant.
Genome position (GRCh38, 1-based): chr19:58,499,553, C>A on the plus strand (G>T on the coding strand, the complement: SLC27A5 is on the minus strand). VCF-style: chr19-58499553-C-A. GRCh37 (hg19) VCF-style: chr19-59010920-C-A.
Other names: c.1354G>T, p.Val452Leu (NM_001321196.2); short protein forms V452L, V536L.
Identifiers: ClinVar variation 2192364 (VCV002192364.5), dbSNP rs751110550, ClinGen allele CA407948436.